The following is an entry in ClinVar:

NM_016343.4(CENPF):c.8278T>A (p.Leu2760Met)

Gene: CENPF (centromere protein F; plus strand). Cytogenetic location: 1q41.
Variant type: single nucleotide variant.
Coding change: c.8278T>A on transcript NM_016343.4 (MANE Select); coding-DNA position 8278, T replaced by A.
Protein change: p.Leu2760Met; replaces leucine 2760 with methionine.
Molecular consequence: missense variant.
Genome position (GRCh38, 1-based): chr1:214,652,945, T>A. VCF-style: chr1-214652945-T-A. GRCh37 (hg19) VCF-style: chr1-214826288-T-A.
Other names: short protein forms L2760M.
Identifiers: ClinVar variation 2182247 (VCV002182247.6), dbSNP rs149025776, ClinGen allele CA1391363.

ClinVar aggregate classification (germline): Uncertain significance. Review status: criteria provided, multiple submitters, no conflicts (2 of 4 stars). 2 submissions from 2 submitters: Uncertain significance (2). Last evaluated 2025-10-18.

Conditions:
Inborn genetic diseases. Identifiers: MedGen C0950123, MeSH D030342.

Allele frequency attached by ClinVar (database versions not stated): ExAC 0.00006; gnomAD 0.00007; TOPMed 0.00011; ESP Exome Variant Server 0.00015.
gnomAD v4.1: 126 of 1,607,104 alleles (0.0078%); highest among the groups gnomAD compares: Admixed American, 0.022%; no homozygotes.

Submissions (2):

Ambry Genetics
Classification: Uncertain significance for Inborn genetic diseases. Last evaluated: 2025-10-18. Review status: criteria provided, single submitter. Criteria: Ambry Variant Classification Scheme 2023. Collection method: clinical testing. Allele origin: germline.

Labcorp Genetics (formerly Invitae), Labcorp
Classification: Uncertain significance. Last evaluated: 2022-08-20. Review status: criteria provided, single submitter. Criteria: Invitae Variant Classification Sherloc (09022015). Collection method: clinical testing. Allele origin: germline.
Comment: In summary, the available evidence is currently insufficient to determine the role of this variant in disease. Therefore, it has been classified as a Variant of Uncertain Significance. Algorithms developed to predict the effect of missense changes on protein structure and function are either unavailable or do not agree on the potential impact of this missense change (SIFT: "Deleterious"; PolyPhen-2: "Probably Damaging"; Align-GVGD: "Class C0"). This variant has not been reported in the literature in individuals affected with CENPF-related conditions. This variant is present in population databases (rs149025776, gnomAD 0.02%). This sequence change replaces leucine, which is neutral and non-polar, with methionine, which is neutral and non-polar, at codon 2760 of the CENPF protein (p.Leu2760Met).